The following is an entry in ClinVar:

ClinVar aggregate classification (germline): Benign/Likely benign. Review status: criteria provided, multiple submitters, no conflicts (2 of 4 stars). 2 submissions from 2 submitters: Benign (1); Likely benign (1). Last evaluated 2025-03-04.

Conditions:
Hereditary diffuse gastric adenocarcinoma (HDGC). Also called: DIFFUSE GASTRIC AND LOBULAR BREAST CANCER SYNDROME. Identifiers: Orphanet 26106, MedGen C1708349, MONDO:0007648, OMIM 137215.

Allele frequency attached by ClinVar (database versions not stated): gnomAD exomes 0.00024 and 0.00042; ExAC 0.00040; gnomAD 0.00091 and 0.00097; ESP Exome Variant Server 0.00092; 1000 Genomes Project 0.00100; 1000 Genomes Project 30x 0.00109; TOPMed 0.00118.
gnomAD v4.1: 486 of 1,611,204 alleles (0.03%); highest among the groups gnomAD compares: African/African-American, 0.31%; 1 homozygote.

Submissions (2):

Center for Genomic Medicine, Rigshospitalet, Copenhagen University Hospital
Classification: Likely benign. Last evaluated: 2025-03-04. Review status: criteria provided, single submitter. Criteria: ACMG Guidelines, 2015. Collection method: clinical testing. Allele origin: germline.

European Reference Network on Genetic Tumour Risk Syndromes (ERN-GENTURIS), i3s - Instituto de Investigação e Inovação em Saúde, University of Porto
Classification: Benign for Hereditary diffuse gastric adenocarcinoma. Last evaluated: 2022-08-01. Review status: criteria provided, single submitter. Criteria: Lee et al. (Hum Mutat. 2018). Collection method: clinical testing. Allele origin: germline. Inheritance: Autosomal dominant inheritance. Affected: yes. Study: ERN GENTURIS.
Comment: BA1; BS2_Supporting (PMID: 30311375)

Literature cited by the submitters: PubMed 36436516 (cited by European Reference Network on Genetic Tumour Risk Syndromes (ERN-GENTURIS), i3s - Instituto de Investigação e Inovação em Saúde, University of Porto).

NM_004360.5(CDH1):c.388-44G>A

Gene: CDH1 (cadherin 1; plus strand). Cytogenetic location: 16q22.1.
Variant type: single nucleotide variant.
Coding change: c.388-44G>A on transcript NM_004360.5 (MANE Select); 44 bases into the intron before coding-DNA position 388, G replaced by A.
Molecular consequence: intron variant.
Genome position (GRCh38, 1-based): chr16:68,808,380, G>A. VCF-style: chr16-68808380-G-A. GRCh37 (hg19) VCF-style: chr16-68842283-G-A.
Other names: c.388-44G>A (NM_004360.4, NM_001317184.2); c.-1228-44G>A (NM_001317185.2); c.-1432-44G>A (NM_001317186.2).
Identifiers: ClinVar variation 1697777 (VCV001697777.8), dbSNP rs368884824, ClinGen allele CA8129856.
Genomic context (GRCh38, chr16:68,808,380, plus strand): 5'-TGCCCACAGAAGGCTGGGGACGCTGTCTGGCTAGGTTGGACTGTTAGACCTGAAGTATCC[G>A]TCTTGAATTGTCTTATCTTGTTCCTCATCTTCTTTCCTTTTAGGCCTCCGTTTCTGGAAT-3'